The following is an entry in ClinVar:

ClinVar aggregate classification (germline): Pathogenic. Review status: criteria provided, single submitter (1 of 4 stars). 3 submissions from 2 submitters: Pathogenic (2). 1 of the submissions does not count toward it. Last evaluated 2016-04-04.

Conditions:
Marfan syndrome (MFS). Also called: Marfan syndrome, classic; Marfan syndrome type 1; Marfan's syndrome; MARFAN SYNDROME, TYPE I; FBN1-Related Marfan Syndrome. Identifiers: Orphanet 284963, Orphanet 558, MedGen C0024796, MONDO:0007947, OMIM 154700.
Familial thoracic aortic aneurysm and aortic dissection (TAAD). Also called: Thoracic aortic aneurysms and dissections. Identifiers: Orphanet 91387, MedGen C4707243, MONDO:0019625.

Submissions (3):

Labcorp Genetics (formerly Invitae), Labcorp
Classification: Pathogenic for Marfan syndrome. Last evaluated: 2016-04-04. Review status: criteria provided, single submitter. Criteria: Invitae Variant Classification Sherloc (09022015). Collection method: clinical testing. Allele origin: germline.
Comment: This sequence change inserts 1 nucleotide in exon 64 of the FBN1 mRNA (c.7974dupC), causing a frameshift at codon 2659. This creates a premature translational stop signal (p.Cys2659Leufs*46) and is expected to result in an absent or disrupted protein product. While this particular variant has not been reported in the literature, truncating variants in FBN1 are known to be pathogenic (PMID: 17657824, 19293843). For these reasons, this variant has been classified as Pathogenic.

Labcorp Genetics (formerly Invitae), Labcorp
Classification: Pathogenic for Marfan syndrome; Familial thoracic aortic aneurysm and aortic dissection. Last evaluated: 2016-04-04. Review status: criteria provided, single submitter. Criteria: Invitae Variant Classification Sherloc (09022015). Collection method: clinical testing. Allele origin: germline.
Comment: the same text as in the submission from Labcorp Genetics (formerly Invitae), Labcorp above.

Center for Medical Genetics Ghent, University of Ghent
Classification: Pathogenic for Marfan syndrome. Last evaluated: 2017-11-07. Review status: no assertion criteria provided. Collection method: clinical testing. Allele origin: germline. Affected: yes. Not counted in ClinVar's aggregate classification.

Literature cited by the submitters: PubMed 17657824 (cited by Labcorp Genetics (formerly Invitae), Labcorp); PubMed 19293843 (cited by Labcorp Genetics (formerly Invitae), Labcorp).

NM_000138.5(FBN1):c.7974dup (p.Cys2659fs)

Gene: FBN1 (fibrillin 1; minus strand). Cytogenetic location: 15q21.1.
Variant type: Duplication.
Coding change: c.7974dup on transcript NM_000138.5 (MANE Select); coding-DNA position 7974, one base duplicated (C; older notation c.7974dupC).
Protein change: p.Cys2659fs; shifts the reading frame from cysteine 2659.
Molecular consequence: frameshift variant.
Genome position (GRCh38, 1-based): chr15:48,415,613, G duplicated on the plus strand (C on the coding strand, the reverse complement: FBN1 is on the minus strand); the first of 5 consecutive G bases (chr15:48,415,613-48,415,617); duplicating any one gives the same sequence. VCF-style (leftmost placement, unchanged base first): chr15-48415612-A-AG. GRCh37 (hg19) VCF-style: chr15-48707809-A-AG.
Other names: c.7974dupC (NM_000138.4); short protein forms C2659fs.
Identifiers: ClinVar variation 406354 (VCV000406354.7), dbSNP rs1555393848, ClinGen allele CA16614486.